The following is an entry in ClinVar:

NM_001378454.1(ALMS1):c.7406_7407dup (p.Asp2470fs)

Gene: ALMS1 (ALMS1 centrosome and basal body associated protein; plus strand). Cytogenetic location: 2p13.1.
Variant type: Duplication.
Coding change: c.7406_7407dup on transcript NM_001378454.1 (MANE Select); coding-DNA positions 7406 to 7407, 2 bases duplicated (AG; older notation c.7406_7407dupAG).
Protein change: p.Asp2470fs; shifts the reading frame from aspartic acid 2470.
Molecular consequence: frameshift variant.
Genome position (GRCh38, 1-based): chr2:73,453,933-73,453,934, AG duplicated; duplicating any 2 consecutive bases within chr2:73,453,932-73,453,934 gives the same sequence; the c. name uses the placement nearest the transcript's 3' end. VCF-style (leftmost placement, unchanged base first): chr2-73453931-T-TGA. GRCh37 (hg19) VCF-style: chr2-73681058-T-TGA.
Other names: c.7409_7410dup, p.Asp2471fs (NM_015120.4); short protein forms D2470fs, D2471fs.
Identifiers: ClinVar variation 5006332 (VCV005006332.2).

ClinVar aggregate classification (germline): Likely pathogenic (1 of 4 stars; one submission).

Conditions:
Alstrom syndrome (ALMS). Identifiers: Orphanet 64, MedGen C0268425, MONDO:0008763, OMIM 203800.

Submission:

Juno Genomics, Hangzhou Juno Genomics, Inc
Classification: Likely pathogenic for Alstrom syndrome. Review status: criteria provided, single submitter. Criteria: ACMG Guidelines, 2015. Collection method: clinical testing. Allele origin: germline.
Comment: Null variant in a gene where loss of function (LOF) is a known mechanism of disease.;Absent from controls (or at extremely low frequency if recessive) in Genome Aggregation Database.